The following is an entry in ClinVar:

NM_018117.12(WDR11):c.3530C>T (p.Thr1177Ile)

Gene: WDR11 (WD repeat domain 11; plus strand). Cytogenetic location: 10q26.12.
Variant type: single nucleotide variant.
Coding change: c.3530C>T on transcript NM_018117.12 (MANE Select); coding-DNA position 3530, C replaced by T.
Protein change: p.Thr1177Ile; replaces threonine 1177 with isoleucine.
Molecular consequence: missense variant.
Genome position (GRCh38, 1-based): chr10:120,908,568, C>T. VCF-style: chr10-120908568-C-T. GRCh37 (hg19) VCF-style: chr10-122668080-C-T.
Other names: short protein forms T1177I.
Identifiers: ClinVar variation 1313588 (VCV001313588.2), dbSNP rs1226568550, ClinGen allele CA378318614.

ClinVar aggregate classification (germline): Uncertain significance (1 of 4 stars; one submission).

Allele frequency attached by ClinVar (database versions not stated): gnomAD exomes below 0.00001; gnomAD 0.00001; TOPMed 0.00001.
gnomAD v4.1: 6 of 1,614,088 alleles (0.00037%); highest among the groups gnomAD compares: South Asian, 0.0011%; no homozygotes.

Submission:

GeneDx
Classification: Uncertain significance. Last evaluated: 2020-10-27. Review status: criteria provided, single submitter. Criteria: GeneDx Variant Classification Process June 2021. Collection method: clinical testing. Allele origin: germline. Affected: yes.
Comment: In silico analysis supports that this missense variant does not alter protein structure/function; In-silico analysis, which includes splice predictors and evolutionary conservation, is inconclusive as to whether the variant alters gene splicing. In the absence of RNA/functional studies, the actual effect of this sequence change is unknown.; Has not been previously published as pathogenic or benign to our knowledge